The following is an entry in ClinVar:

ClinVar aggregate classification (germline): Conflicting classifications of pathogenicity. Review status: criteria provided, conflicting classifications (1 of 4 stars). 9 submissions from 9 submitters: Uncertain significance (4); Likely benign (1). 4 of the submissions do not count toward it. Last evaluated 2025-06-10.

Conditions:
Cardiovascular phenotype. Identifiers: MedGen CN230736.
TTN-related disorder. Also called: TTN-related condition; TTN-related disease; TTN-related disorders.
Dilated cardiomyopathy 1S (CMD1S). Identifiers: Orphanet 154, Orphanet 54260, MedGen C1834481, MONDO:0013262, OMIM 613426.

Allele frequency attached by ClinVar (database versions not stated): gnomAD exomes 0.00002 and 0.00003; ExAC 0.00003; gnomAD 0.00003; TOPMed 0.00005; ESP Exome Variant Server 0.00008.
gnomAD v4.1: 41 of 1,608,546 alleles (0.0025%); highest among the groups gnomAD compares: Non-Finnish European, 0.003%; no homozygotes.

Submissions (9):

PreventionGenetics, part of Exact Sciences
Classification: Uncertain significance for TTN-related condition. Last evaluated: 2025-06-10. Review status: criteria provided, single submitter. Criteria: ACMG Guidelines, 2015. Collection method: clinical testing. Allele origin: germline.
Comment: The TTN c.54140C>T variant is predicted to result in the amino acid substitution p.Ala18047Val. This variant was reported in an individual with dilated cardiomyopathy; however, this individual also harbored a pathogenic RBM20 variant which segregates with diseases in the family (Family DCM-15 in Figure S2 and Table S5, Klauke et al. 2017. PubMed ID: 29253866). This variant is reported in 0.0063% of alleles in individuals of European (Non-Finnish) descent in gnomAD. At this time, the clinical significance of this variant is uncertain due to the absence of conclusive functional and genetic evidence.

Ambry Genetics
Classification: Uncertain significance for Cardiovascular phenotype. Last evaluated: 2020-03-25. Review status: criteria provided, single submitter. Criteria: Ambry Variant Classification Scheme 2023. Collection method: clinical testing. Allele origin: germline.
Comment: The p.A8982V variant (also known as c.26945C>T), located in coding exon 107 of the TTN gene, results from a C to T substitution at nucleotide position 26945. The alanine at codon 8982 is replaced by valine, an amino acid with similar properties. This variant co-occurred with an MYH7 mutation in an individual from a hypertrophic cardiomyopathy cohort (Lopes LR et al. J. Med. Genet., 2013 Apr;50:228-39). This amino acid position is highly conserved in available vertebrate species. In addition, the in silico prediction for this alteration is inconclusive. Since supporting evidence is limited at this time, the clinical significance of this alteration remains unclear.

Revvity Omics, Revvity
Classification: Uncertain significance. Last evaluated: 2019-11-19. Review status: criteria provided, single submitter. Criteria: ACMG Guidelines, 2015. Collection method: clinical testing. Allele origin: germline.

Athena Diagnostics
Classification: Uncertain significance. Last evaluated: 2019-02-21. Review status: criteria provided, single submitter. Criteria: Athena Diagnostics Criteria. Collection method: clinical testing. Allele origin: germline.

GeneDx
Classification: Likely benign. Last evaluated: 2018-06-08. Review status: criteria provided, single submitter. Criteria: GeneDx Variant Classification (06012015). Collection method: clinical testing. Allele origin: germline. Affected: yes.
Comment: This variant is considered likely benign or benign based on one or more of the following criteria: it is a conservative change, it occurs at a poorly conserved position in the protein, it is predicted to be benign by multiple in silico algorithms, and/or has population frequency not consistent with disease.

Institut für Laboratoriums- und Transfusionsmedizin, Herz- und Diabeteszentrum Nordrhein-Westfalen
Classification: Uncertain significance for Dilated cardiomyopathy 1S. Last evaluated: 2016-05-01. Review status: no assertion criteria provided. Collection method: clinical testing. Allele origin: inherited. Affected: yes. Observed: 2 variant alleles. Not counted in ClinVar's aggregate classification.

Clinical Genetics, Academic Medical Center
Classification: Uncertain significance. Review status: no assertion criteria provided. Collection method: clinical testing. Allele origin: germline. Affected: yes. Study: VKGL Data-share Consensus. Not counted in ClinVar's aggregate classification.

Genome Diagnostics Laboratory, University Medical Center Utrecht
Classification: Uncertain significance. Review status: no assertion criteria provided. Collection method: clinical testing. Allele origin: germline. Affected: yes. Study: VKGL Data-share Consensus. Not counted in ClinVar's aggregate classification.

Joint Genome Diagnostic Labs from Nijmegen and Maastricht, Radboudumc and MUMC+
Classification: Uncertain significance. Review status: no assertion criteria provided. Collection method: clinical testing. Allele origin: germline. Affected: yes. Study: VKGL Data-share Consensus. Not counted in ClinVar's aggregate classification.

Literature cited by the submitters: PubMed 23396983 (cited by Ambry Genetics).

NM_001267550.2(TTN):c.54140C>T (p.Ala18047Val)

Genes: TTN (titin; minus strand), TTN-AS1 (TTN antisense RNA 1; plus strand). Cytogenetic location: 2q31.2.
Variant type: single nucleotide variant.
Coding change: c.54140C>T on transcript NM_001267550.2 (MANE Select); coding-DNA position 54140, C replaced by T.
Protein change: p.Ala18047Val; replaces alanine 18047 with valine.
Molecular consequence: missense variant. On other transcripts: non-coding transcript variant (1).
Genome position (GRCh38, 1-based): chr2:178,605,037, G>A on the plus strand (C>T on the coding strand, the complement: TTN is on the minus strand). VCF-style: chr2-178605037-G-A. GRCh37 (hg19) VCF-style: chr2-179469764-G-A.
Other names: c.49217C>T, p.Ala16406Val (NM_001256850.1); c.26945C>T, p.Ala8982Val (NM_003319.4); c.46436C>T, p.Ala15479Val (NM_133378.4); c.27320C>T, p.Ala9107Val (NM_133432.3); c.27521C>T, p.Ala9174Val (NM_133437.4); c.54140C>T (LRG_391t1); short protein forms A18047V, A9174V, A15479V, A8982V, A9107V, A16406V.
Identifiers: ClinVar variation 265815 (VCV000265815.15), dbSNP rs373815064, ClinGen allele CA1993689.